The following is an entry in ClinVar:

NM_024306.5(FA2H):c.701A>C (p.His234Pro)

Gene: FA2H (fatty acid 2-hydroxylase; minus strand). Cytogenetic location: 16q23.1.
Variant type: single nucleotide variant.
Coding change: c.701A>C on transcript NM_024306.5 (MANE Select); coding-DNA position 701, A replaced by C.
Protein change: p.His234Pro; replaces histidine 234 with proline.
Molecular consequence: missense variant.
Genome position (GRCh38, 1-based): chr16:74,719,073, T>G on the plus strand (A>C on the coding strand, the complement: FA2H is on the minus strand). VCF-style: chr16-74719073-T-G. GRCh37 (hg19) VCF-style: chr16-74752971-T-G.
Other names: short protein forms H234P.
Identifiers: ClinVar variation 961887 (VCV000961887.9), dbSNP rs1961773594, ClinGen allele CA396769540.

ClinVar aggregate classification (germline): Uncertain significance (1 of 4 stars; one submission).

Conditions:
Spastic paraplegia. Identifiers: MedGen C0037772, HP:0001258.

Allele frequency attached by ClinVar (database versions not stated): gnomAD 0.00001.
gnomAD v4.1: 1 of 1,613,746 alleles (0.000062%); highest among the groups gnomAD compares: Admixed American, 0.0017%; no homozygotes.

Submission:

Labcorp Genetics (formerly Invitae), Labcorp
Classification: Uncertain significance for Spastic paraplegia. Last evaluated: 2019-09-16. Review status: criteria provided, single submitter. Criteria: Invitae Variant Classification Sherloc (09022015). Collection method: clinical testing. Allele origin: germline.
Comment: This sequence change replaces histidine with proline at codon 234 of the FA2H protein (p.His234Pro). The histidine residue is highly conserved and there is a moderate physicochemical difference between histidine and proline. This variant is not present in population databases (ExAC no frequency). This variant has not been reported in the literature in individuals with FA2H-related conditions. Algorithms developed to predict the effect of missense changes on protein structure and function (SIFT, PolyPhen-2, Align-GVGD) all suggest that this variant is likely to be disruptive, but these predictions have not been confirmed by published functional studies and their clinical significance is uncertain. In summary, the available evidence is currently insufficient to determine the role of this variant in disease. Therefore, it has been classified as a Variant of Uncertain Significance.